The following is an entry in ClinVar:

ClinVar aggregate classification (germline): Uncertain significance (1 of 4 stars; one submission).

Allele frequency attached by ClinVar (database versions not stated): gnomAD exomes below 0.00001; ExAC 0.00001; gnomAD 0.00001.
gnomAD v4.1: 6 of 1,612,372 alleles (0.00037%); highest among the groups gnomAD compares: Non-Finnish European, 0.00051%; no homozygotes.

Submission:

Labcorp Genetics (formerly Invitae), Labcorp
Classification: Uncertain significance. Last evaluated: 2021-08-28. Review status: criteria provided, single submitter. Criteria: Invitae Variant Classification Sherloc (09022015). Collection method: clinical testing. Allele origin: germline.
Comment: This sequence change replaces serine with glycine at codon 1570 of the CAD protein (p.Ser1570Gly). The serine residue is weakly conserved and there is a small physicochemical difference between serine and glycine. This variant is present in population databases (rs756301954, ExAC 0.002%). This variant has not been reported in the literature in individuals affected with CAD-related conditions. Algorithms developed to predict the effect of missense changes on protein structure and function (SIFT, PolyPhen-2, Align-GVGD) all suggest that this variant is likely to be tolerated. In summary, the available evidence is currently insufficient to determine the role of this variant in disease. Therefore, it has been classified as a Variant of Uncertain Significance.

NM_004341.5(CAD):c.4708A>G (p.Ser1570Gly)

Gene: CAD (carbamoyl-phosphate synthetase 2, aspartate transcarbamylase, and dihydroorotase; plus strand). Cytogenetic location: 2p23.3.
Variant type: single nucleotide variant.
Coding change: c.4708A>G on transcript NM_004341.5 (MANE Select); coding-DNA position 4708, A replaced by G.
Protein change: p.Ser1570Gly; replaces serine 1570 with glycine.
Molecular consequence: missense variant.
Genome position (GRCh38, 1-based): chr2:27,237,862, A>G. VCF-style: chr2-27237862-A-G. GRCh37 (hg19) VCF-style: chr2-27460730-A-G.
Other names: c.4519A>G, p.Ser1507Gly (NM_001306079.2); short protein forms S1507G, S1570G.
Identifiers: ClinVar variation 1507068 (VCV001507068.5), dbSNP rs756301954, ClinGen allele CA1573616.